The following is an entry in ClinVar:

ClinVar aggregate classification (germline): Uncertain significance (1 of 4 stars; one submission).

gnomAD v4.1: 1 of 1,612,560 alleles (0.000062%); highest among the groups gnomAD compares: Non-Finnish European, 0.000085%; no homozygotes.

Submission:

Ambry Genetics
Classification: Uncertain significance. Last evaluated: 2026-01-21. Review status: criteria provided, single submitter. Criteria: Ambry Variant Classification Scheme 2023. Collection method: clinical testing. Allele origin: germline.
Comment: The p.S552T variant (also known as c.1654T>A), located in coding exon 16 of the NEBL gene, results from a T to A substitution at nucleotide position 1654. The serine at codon 552 is replaced by threonine, an amino acid with similar properties. This amino acid position is conserved. In addition, this alteration is predicted to be tolerated by in silico analysis. Based on the available evidence, the clinical significance of this variant remains unclear.

NM_006393.3(NEBL):c.1654T>A (p.Ser552Thr)

Gene: NEBL (nebulette; minus strand). Cytogenetic location: 10p12.31.
Variant type: single nucleotide variant.
Coding change: c.1654T>A on transcript NM_006393.3 (MANE Select); coding-DNA position 1654, T replaced by A.
Protein change: p.Ser552Thr; replaces serine 552 with threonine.
Molecular consequence: missense variant. On other transcripts: intron variant (9).
Genome position (GRCh38, 1-based): chr10:20,831,213, A>T on the plus strand (T>A on the coding strand, the complement: NEBL is on the minus strand). VCF-style: chr10-20831213-A-T. GRCh37 (hg19) VCF-style: chr10-21120142-A-T.
Other names: c.250-18273T>A (NM_001377326.1, NM_001377327.1, NM_001377328.1); c.358-18273T>A (NM_213569.2, NM_001173484.2, NM_001377322.1); c.301-18273T>A (NM_001377324.1); c.292-18273T>A (NM_001377325.1); c.310-18273T>A (NM_001377323.1); short protein forms S552T.
Identifiers: ClinVar variation 4844727 (VCV004844727.1).